The following is an entry in ClinVar:

ClinVar aggregate classification (germline): Uncertain significance (1 of 4 stars; one submission).

Submission:

GeneDx
Classification: Uncertain significance. Last evaluated: 2026-04-05. Review status: criteria provided, single submitter. Criteria: GeneDx Variant Classification Process June 2021. Collection method: clinical testing. Allele origin: germline.
Comment: Frameshift variant predicted to result in protein truncation or nonsense mediated decay in a gene or region of a gene for which loss of function is not a well-established mechanism of disease; Not observed at significant frequency in large population cohorts (gnomAD); Has not been previously published as pathogenic or benign to our knowledge

NM_001326342.2(CELF2):c.284dup (p.Thr96fs)

Gene: CELF2 (CUGBP Elav-like family member 2; plus strand). Cytogenetic location: 10p14.
Variant type: Duplication.
Coding change: c.284dup on transcript NM_001326342.2 (MANE Select); coding-DNA position 284, one base duplicated (T; older notation c.284dupT).
Protein change: p.Thr96fs; shifts the reading frame from threonine 96.
Molecular consequence: frameshift variant. On other transcripts: 5 prime UTR variant (1), intron variant (3).
Genome position (GRCh38, 1-based): chr10:11,217,437, T duplicated. VCF-style (leftmost placement, unchanged base first): chr10-11217436-G-GT. GRCh37 (hg19) VCF-style: chr10-11259399-G-GT.
Other names: c.191dup, p.Thr65fs (NM_001326329.2, NM_001326330.2, NM_001326334.2 and 15 more transcripts); c.263dup, p.Thr89fs (NM_001326331.2, NM_001326332.2, NM_001326335.2 and 4 more transcripts); c.-342dup (NM_001326333.2); c.284dup, p.Thr96fs (NM_001394513.1, NM_001394518.1, NM_001394519.1 and 4 more transcripts); c.1-31716dup (NM_001326339.2, NM_001326338.2); c.-271-31716dup (NM_001326346.2); c.215dup, p.Thr73fs (NM_001326347.1); c.356dup, p.Thr120fs (NM_001326325.2); and 1 more; short protein forms T101fs, T120fs, T65fs, T73fs, T89fs, T96fs.
Identifiers: ClinVar variation 5018249 (VCV005018249.1).